The following is an entry in ClinVar:

ClinVar aggregate classification (germline): Benign/Likely benign. Review status: criteria provided, multiple submitters, no conflicts (2 of 4 stars). 6 submissions from 5 submitters: Benign (3); Likely benign (3). Last evaluated 2023-02-08.

Conditions:
Qualitative or quantitative defects of delta-sarcoglycan. Identifiers: Orphanet 207070, MedGen C5680806, MONDO:0016144.
Autosomal recessive limb-girdle muscular dystrophy type 2F (LGMDR6). Also called: MUSCULAR DYSTROPHY, LIMB-GIRDLE, AUTOSOMAL RECESSIVE 6; Muscular dystrophy limb-girdle with delta-sarcoglyan deficiency. Identifiers: Orphanet 219, MedGen C1832525, MONDO:0011028, OMIM 601287. Disease mechanism: Affects gamma-sarcoglycan and also disrupts the integrity of the entire sarcoglycan complex..
Dilated cardiomyopathy 1L (CMD1L). Identifiers: Orphanet 154, MedGen C1847667, MONDO:0011702, OMIM 606685.

Allele frequency attached by ClinVar (database versions not stated): gnomAD 0.00862 and 0.00918; 1000 Genomes Project 30x 0.01077; TOPMed 0.00963; 1000 Genomes Project 0.00958.

Submissions (6):

Genome-Nilou Lab
Classification: Likely benign for Autosomal recessive limb-girdle muscular dystrophy type 2F. Last evaluated: 2023-02-08. Review status: criteria provided, single submitter. Criteria: ACMG Guidelines, 2015. Collection method: clinical testing. Allele origin: germline.

Genome-Nilou Lab
Classification: Likely benign for Dilated cardiomyopathy 1L. Last evaluated: 2023-02-08. Review status: criteria provided, single submitter. Criteria: ACMG Guidelines, 2015. Collection method: clinical testing. Allele origin: germline.

Illumina Laboratory Services, Illumina
Classification: Benign for Qualitative or quantitative defects of delta-sarcoglycan. Last evaluated: 2018-01-12. Review status: criteria provided, single submitter. Criteria: ICSL Variant Classification Criteria 13 December 2019. Collection method: clinical testing. Allele origin: germline.
Comment: This variant was observed in the ICSL laboratory as part of a predisposition screen in an ostensibly healthy population. It had not been previously curated by ICSL or reported in the Human Gene Mutation Database (HGMD: prior to June 1st, 2018), and was therefore a candidate for classification through an automated scoring system. Utilizing variant allele frequency, disease prevalence and penetrance estimates, and inheritance mode, an automated score was calculated to assess if this variant is too frequent to cause the disease. Based on the score and internal cut-off values, a variant classified as benign is not then subjected to further curation. The score for this variant resulted in a classification of benign for this disease.

GeneDx
Classification: Benign. Last evaluated: 2015-03-03. Review status: criteria provided, single submitter. Criteria: GeneDx Variant Classification Process June 2021. Collection method: clinical testing. Allele origin: germline. Affected: yes.

Laboratory for Molecular Medicine, Mass General Brigham Personalized Medicine
Classification: Benign. Last evaluated: 2013-01-28. Review status: criteria provided, single submitter. Criteria: LMM Criteria. Collection method: clinical testing. Allele origin: germline. Observed: 10 variant alleles.
Comment: -179A>G in the 5' UTR of SGCD: This variant is not expected to have clinical sig nificance because it has been identified in 5.1% (9/176) of Yoruba chromosomes f rom a broad population by the 1000 Genomes Project (dbSNP rs77808502).

Breakthrough Genomics
Classification: Likely benign. Review status: criteria provided, single submitter. Criteria: ACMG Guidelines, 2015. Collection method: not provided. Allele origin: germline. Inheritance: Autosomal recessive inheritance. Affected: yes.

NC_000005.10:g.156327097A>G

Gene: SGCD (sarcoglycan delta; plus strand). Cytogenetic location: 5q33.3.
Variant type: single nucleotide variant.
Genome position: GRCh38 VCF-style: chr5-156327097-A-G. GRCh37 (hg19) VCF-style: chr5-155754107-A-G.
Other names: c.-179A>G (NM_000337.5).
Identifiers: ClinVar variation 48110 (VCV000048110.15), dbSNP rs77808502, ClinGen allele CA142612.